The following is an entry in ClinVar:

ClinVar aggregate classification (germline): Conflicting classifications of pathogenicity. Review status: criteria provided, conflicting classifications (1 of 4 stars). 2 submissions from 2 submitters: Uncertain significance (1); Likely benign (1). Last evaluated 2023-03-28.

Conditions:
Hypertrophic cardiomyopathy 1 (CMH1). Also called: MYH7-Related Familial Hypertrophic Cardiomyopathy; Familial hypertrophic cardiomyopathy 1. Identifiers: MedGen C3495498, MONDO:0008647, OMIM 192600.

Allele frequency attached by ClinVar (database versions not stated): gnomAD exomes below 0.00001; gnomAD 0.00001; TOPMed 0.00002.
gnomAD v4.1: 4 of 1,613,694 alleles (0.00025%); highest among the groups gnomAD compares: Non-Finnish European, 0.00034%; no homozygotes.

Submissions (2):

Ambry Genetics
Classification: Likely benign. Last evaluated: 2023-03-28. Review status: criteria provided, single submitter. Criteria: Ambry Variant Classification Scheme 2023. Collection method: clinical testing. Allele origin: germline.

Labcorp Genetics (formerly Invitae), Labcorp
Classification: Uncertain significance for Hypertrophic cardiomyopathy 1. Last evaluated: 2018-06-07. Review status: criteria provided, single submitter. Criteria: Invitae Variant Classification Sherloc (09022015). Collection method: clinical testing. Allele origin: germline.
Comment: In summary, the available evidence is currently insufficient to determine the role of this variant in disease. Therefore, it has been classified as a Variant of Uncertain Significance. Algorithms developed to predict the effect of sequence changes on RNA splicing suggest that this variant may create or strengthen a splice site, but this prediction has not been confirmed by published transcriptional studies. Algorithms developed to predict the effect of missense changes on protein structure and function output the following: SIFT: "Tolerated"; PolyPhen-2: "Benign"; Align-GVGD: "Class C0". The isoleucine amino acid residue is found in multiple mammalian species, suggesting that this missense change does not adversely affect protein function. These predictions have not been confirmed by published functional studies and their clinical significance is uncertain. This variant has not been reported in the literature in individuals with MYLK2-related disease. This variant is not present in population databases (ExAC no frequency). This sequence change replaces methionine with isoleucine at codon 271 of the MYLK2 protein (p.Met271Ile). The methionine residue is weakly conserved and there is a small physicochemical difference between methionine and isoleucine.

NM_033118.4(MYLK2):c.813G>A (p.Met271Ile)

Gene: MYLK2 (myosin light chain kinase 2; plus strand). Cytogenetic location: 20q11.21.
Variant type: single nucleotide variant.
Coding change: c.813G>A on transcript NM_033118.4 (MANE Select); coding-DNA position 813, G replaced by A.
Protein change: p.Met271Ile; replaces methionine 271 with isoleucine.
Molecular consequence: missense variant.
Genome position (GRCh38, 1-based): chr20:31,823,517, G>A. VCF-style: chr20-31823517-G-A. GRCh37 (hg19) VCF-style: chr20-30411320-G-A.
Other names: short protein forms M271I.
Identifiers: ClinVar variation 575770 (VCV000575770.10), dbSNP rs376297935, ClinGen allele CA313850566.